The following is an entry in ClinVar:

ClinVar aggregate classification (germline): Uncertain significance (1 of 4 stars; one submission).

gnomAD v4.1: 1 of 1,614,104 alleles (0.000062%); highest among the groups gnomAD compares: Non-Finnish European, 0.000085%; no homozygotes.

Submission:

Labcorp Genetics (formerly Invitae), Labcorp
Classification: Uncertain significance. Last evaluated: 2025-04-29. Review status: criteria provided, single submitter. Criteria: Invitae Variant Classification Sherloc (09022015). Collection method: clinical testing. Allele origin: germline.
Comment: This sequence change replaces valine, which is neutral and non-polar, with alanine, which is neutral and non-polar, at codon 456 of the TRPM6 protein (p.Val456Ala). This variant is not present in population databases (gnomAD no frequency). This variant has not been reported in the literature in individuals affected with TRPM6-related conditions. Invitae Evidence Modeling of protein sequence and biophysical properties (such as structural, functional, and spatial information, amino acid conservation, physicochemical variation, residue mobility, and thermodynamic stability) indicates that this missense variant is expected to disrupt TRPM6 protein function with a positive predictive value of 80%. In summary, the available evidence is currently insufficient to determine the role of this variant in disease. Therefore, it has been classified as a Variant of Uncertain Significance.

NM_017662.5(TRPM6):c.1367T>C (p.Val456Ala)

Gene: TRPM6 (transient receptor potential cation channel subfamily M member 6; minus strand). Cytogenetic location: 9q21.13.
Variant type: single nucleotide variant.
Coding change: c.1367T>C on transcript NM_017662.5 (MANE Select); coding-DNA position 1367, T replaced by C.
Protein change: p.Val456Ala; replaces valine 456 with alanine.
Molecular consequence: missense variant.
Genome position (GRCh38, 1-based): chr9:74,812,375, A>G on the plus strand (T>C on the coding strand, the complement: TRPM6 is on the minus strand). VCF-style: chr9-74812375-A-G. GRCh37 (hg19) VCF-style: chr9-77427291-A-G.
Other names: c.1352T>C, p.Val451Ala (NM_001177310.2, NM_001177311.2); short protein forms V451A, V456A.
Identifiers: ClinVar variation 4777487 (VCV004777487.1).
Genomic context (GRCh38, chr9:74,812,375, plus strand): 5'-TCCAGTCGAGGGATGGTAAGAAAGCGATGGAGGTTCACTCCATATTCTATTAAGAGCTTC[A>G]CAAAATCCACCCGATCCATCACTAAAGCATCTGACATTGCTTGTTCCAGGGCATCAGGCT-3'
Protein context (NP_060132.3, residues 446-466): DALVMDRVDF[Val456Ala]KLLIEYGVNL